The following is an entry in ClinVar:

NM_005419.4(STAT2):c.1558C>G (p.Leu520Val)

Gene: STAT2 (signal transducer and activator of transcription 2; minus strand). Cytogenetic location: 12q13.3.
Variant type: single nucleotide variant.
Coding change: c.1558C>G on transcript NM_005419.4 (MANE Select); coding-DNA position 1558, C replaced by G.
Protein change: p.Leu520Val; replaces leucine 520 with valine.
Molecular consequence: missense variant.
Genome position (GRCh38, 1-based): chr12:56,348,942, G>C on the plus strand (C>G on the coding strand, the complement: STAT2 is on the minus strand). VCF-style: chr12-56348942-G-C. GRCh37 (hg19) VCF-style: chr12-56742726-G-C.
Other names: c.1525C>G, p.Leu509Val (NM_001385110.1); c.1459C>G, p.Leu487Val (NM_001385111.1); c.1558C>G, p.Leu520Val (NM_001385113.1); c.1537C>G, p.Leu513Val (NM_001385114.1); c.1516C>G, p.Leu506Val (NM_001385115.1); c.1546C>G, p.Leu516Val (NM_198332.2); short protein forms L487V, L506V, L509V, L513V, L516V, L520V.
Identifiers: ClinVar variation 1053598 (VCV001053598.9), dbSNP rs2136052949, ClinGen allele CA385260605.

ClinVar aggregate classification (germline): Uncertain significance (1 of 4 stars; one submission).

Conditions:
Primary immunodeficiency with post-measles-mumps-rubella vaccine viral infection. Also called: Immunodeficiency 44. Identifiers: Orphanet 431166, MedGen C4225260, MONDO:0014715, OMIM 616636.

Allele frequency attached by ClinVar (database versions not stated): gnomAD exomes below 0.00001.
gnomAD v4.1: 1 of 1,613,490 alleles (0.000062%); highest among the groups gnomAD compares: African/African-American, 0.0013%; no homozygotes.

Submission:

Labcorp Genetics (formerly Invitae), Labcorp
Classification: Uncertain significance for Primary immunodeficiency with post-measles-mumps-rubella vaccine viral infection. Last evaluated: 2020-02-06. Review status: criteria provided, single submitter. Criteria: Invitae Variant Classification Sherloc (09022015). Collection method: clinical testing. Allele origin: germline.
Comment: This variant has not been reported in the literature in individuals with STAT2-related conditions. This variant is not present in population databases (ExAC no frequency). This sequence change replaces leucine with valine at codon 520 of the STAT2 protein (p.Leu520Val). The leucine residue is highly conserved and there is a small physicochemical difference between leucine and valine. Algorithms developed to predict the effect of missense changes on protein structure and function are either unavailable or do not agree on the potential impact of this missense change (SIFT: "Deleterious"; PolyPhen-2: "Probably Damaging"; Align-GVGD: "Class C0"). In summary, the available evidence is currently insufficient to determine the role of this variant in disease. Therefore, it has been classified as a Variant of Uncertain Significance. Algorithms developed to predict the effect of sequence changes on RNA splicing suggest that this variant may create or strengthen a splice site, but this prediction has not been confirmed by published transcriptional studies.